The following is an entry in ClinVar:

NM_004006.3(DMD):c.4234-3C>T

Gene: DMD (dystrophin; minus strand). Cytogenetic location: Xp21.1.
Variant type: single nucleotide variant.
Coding change: c.4234-3C>T on transcript NM_004006.3 (MANE Select); 3 bases into the intron before coding-DNA position 4234, C replaced by T.
Molecular consequence: intron variant.
Genome position (GRCh38, 1-based): chrX:32,390,184, G>A on the plus strand (C>T on the coding strand, the complement: DMD is on the minus strand). VCF-style: chrX-32390184-G-A. GRCh37 (hg19) VCF-style: chrX-32408301-G-A.
Other names: c.4210-3C>T (NM_000109.4); c.211-3C>T (NM_004011.4); c.202-3C>T (NM_004012.4); c.4222-3C>T (NM_004009.3); c.3865-3C>T (NM_004010.3).
Identifiers: ClinVar variation 2905733 (VCV002905733.3), dbSNP rs2523136095, ClinGen allele CA2693407490.

ClinVar aggregate classification (germline): Uncertain significance (1 of 4 stars; one submission).

Conditions:
Duchenne muscular dystrophy (DMD). Also called: MUSCULAR DYSTROPHY, PSEUDOHYPERTROPHIC PROGRESSIVE, DUCHENNE TYPE; Duchenne Muscular Dystrophy (DMD). Identifiers: Orphanet 98896, MedGen C0013264, MONDO:0010679, OMIM 310200.

Allele frequency attached by ClinVar (database versions not stated): gnomAD exomes below 0.00001.
gnomAD v4.1: 1 of 1,165,192 alleles (0.000086%); highest among the groups gnomAD compares: Non-Finnish European, 0.00012%; no homozygotes.

Submission:

Labcorp Genetics (formerly Invitae), Labcorp
Classification: Uncertain significance for Duchenne muscular dystrophy. Last evaluated: 2023-08-20. Review status: criteria provided, single submitter. Criteria: Invitae Variant Classification Sherloc (09022015). Collection method: clinical testing. Allele origin: germline.
Comment: This variant is not present in population databases (gnomAD no frequency). In summary, the available evidence is currently insufficient to determine the role of this variant in disease. Therefore, it has been classified as a Variant of Uncertain Significance. Algorithms developed to predict the effect of sequence changes on RNA splicing suggest that this variant may disrupt the consensus splice site. This variant has not been reported in the literature in individuals affected with DMD-related conditions. This sequence change falls in intron 30 of the DMD gene. It does not directly change the encoded amino acid sequence of the DMD protein.